The following is an entry in ClinVar:

ClinVar aggregate classification (germline): Likely pathogenic (1 of 4 stars; one submission).

Conditions:
DNAH17-related disorder. Also called: DNAH17-related condition.

gnomAD v4.1: 348 of 1,613,840 alleles (0.022%); highest among the groups gnomAD compares: Non-Finnish European, 0.027%; 1 homozygote.

Submission:

PreventionGenetics, part of Exact Sciences
Classification: Likely pathogenic for DNAH17-related condition. Last evaluated: 2026-04-03. Review status: criteria provided, single submitter. Criteria: ACMG Guidelines, 2015. Collection method: clinical testing. Allele origin: germline.
Comment: The DNAH17 c.9157C>T variant is predicted to result in premature protein termination (p.Gln3053*). To our knowledge, this variant has not been reported in the literature. This variant is reported in 0.029% of alleles in individuals of European (Non-Finnish) descent in gnomAD. Nonsense variants in DNAH17 are expected to be pathogenic. This variant is interpreted as likely pathogenic.

NM_173628.4(DNAH17):c.9157C>T (p.Gln3053Ter)

Gene: DNAH17 (dynein axonemal heavy chain 17; minus strand). Cytogenetic location: 17q25.3.
Variant type: single nucleotide variant.
Coding change: c.9157C>T on transcript NM_173628.4 (MANE Select); coding-DNA position 9157, C replaced by T.
Protein change: p.Gln3053Ter; replaces glutamine 3053 with a stop codon.
Molecular consequence: nonsense.
Genome position (GRCh38, 1-based): chr17:78,462,861, G>A on the plus strand (C>T on the coding strand, the complement: DNAH17 is on the minus strand). VCF-style: chr17-78462861-G-A. GRCh37 (hg19) VCF-style: chr17-76458943-G-A.
Other names: short protein forms Q3053*.
Identifiers: ClinVar variation 4988862 (VCV004988862.1).